The following is an entry in ClinVar:

NM_001009944.3(PKD1):c.7394_7408dup (p.Arg2469_Pro2470insLeuSerProAsnArg)

Gene: PKD1 (polycystin 1, transient receptor potential channel interacting; minus strand). Cytogenetic location: 16p13.3.
Variant type: Duplication.
Coding change: c.7394_7408dup on transcript NM_001009944.3 (MANE Select); coding-DNA positions 7394 to 7408, 15 bases duplicated (TGTCCCCCAACCGCC).
Protein change: p.Arg2469_Pro2470insLeuSerProAsnArg.
Molecular consequence: inframe insertion. On other transcripts: inframe indel (1).
Genome position (GRCh38, 1-based): chr16:2,106,479-2,106,493, GGCGGTTGGGGGACA duplicated on the plus strand (TGTCCCCCAACCGCC on the coding strand, the reverse complement: PKD1 is on the minus strand); duplicating any 15 consecutive bases within chr16:2,106,479-2,106,498 gives the same sequence; the c. name uses the placement nearest the transcript's 3' end. VCF-style (leftmost placement, unchanged base first): chr16-2106478-G-GGGCGGTTGGGGGACA. GRCh37 (hg19) VCF-style: chr16-2156479-G-GGGCGGTTGGGGGACA.
Other names: c.7394_7408dup, p.Arg2469_Pro2470insLeuSerProAsnArg (NM_000296.4); c.7394_7408dup15 (NM_001009944.2).
Identifiers: ClinVar variation 3347435 (VCV003347435.1).
Genomic context (GRCh38, chr16:2,106,478, plus strand): 5'-TTGGTGGTGAGGGCGTGCACAGCGCCCAGTGGGAAGAGGCGGCAAGAGCCCCCCAGCGGC[G>GGGCGGTTGGGGGACA]GGCGGTTGGGGGACAGGCGGATGGAGGCGCAGCCCTCCTCCTCGCCAGAGCGGCCCAGCA-3'

ClinVar aggregate classification (germline): Uncertain significance (0 of 4 stars; one submission).

Conditions:
PKD1-related disorder. Also called: PKD1-related condition.

Submission:

PreventionGenetics, part of Exact Sciences
Classification: Uncertain significance for PKD1-related condition. Last evaluated: 2024-06-24. Review status: no assertion criteria provided. Collection method: clinical testing. Allele origin: germline.
Comment: The PKD1 c.7394_7408dup15 variant is predicted to result in an in-frame duplication (p.Leu2465_Arg2469dup). To our knowledge, this variant has not been reported in the literature or in a large population database, indicating this variant is rare. At this time, the clinical significance of this variant is uncertain due to the absence of conclusive functional and genetic evidence.